The following is an entry in ClinVar:

ClinVar aggregate classification (germline): Uncertain significance. Review status: criteria provided, single submitter (1 of 4 stars). 2 submissions from 2 submitters: Uncertain significance (1). 1 of the submissions does not count toward it. Last evaluated 2021-08-28.

Conditions:
Athabaskan severe combined immunodeficiency (SCIDA). Also called: Severe combined immunodeficiency, athabascan-type. Identifiers: MedGen C1865370.
Severe combined immunodeficiency due to DCLRE1C deficiency (RS-SCID). Also called: SCID, AUTOSOMAL RECESSIVE, T CELL-NEGATIVE, B CELL-NEGATIVE, NK CELL-POSITIVE, WITH SENSITIVITY TO IONIZING RADIATION. Identifiers: Orphanet 275, MedGen C1865371, MONDO:0011225, OMIM 602450.

Allele frequency attached by ClinVar (database versions not stated): gnomAD exomes 0.00001; TOPMed below 0.00001.
gnomAD v4.1: 10 of 1,614,204 alleles (0.00062%); highest among the groups gnomAD compares: Admixed American, 0.0017%; no homozygotes.

Submissions (2):

Labcorp Genetics (formerly Invitae), Labcorp
Classification: Uncertain significance for Athabaskan severe combined immunodeficiency. Last evaluated: 2021-08-28. Review status: criteria provided, single submitter. Criteria: Invitae Variant Classification Sherloc (09022015). Collection method: clinical testing. Allele origin: germline.
Comment: This sequence change replaces valine with alanine at codon 463 of the DCLRE1C protein (p.Val463Ala). The valine residue is weakly conserved and there is a small physicochemical difference between valine and alanine. This variant is not present in population databases (ExAC no frequency). This variant has not been reported in the literature in individuals affected with DCLRE1C-related conditions. Algorithms developed to predict the effect of missense changes on protein structure and function (SIFT, PolyPhen-2, Align-GVGD) all suggest that this variant is likely to be tolerated. In summary, the available evidence is currently insufficient to determine the role of this variant in disease. Therefore, it has been classified as a Variant of Uncertain Significance.

Natera, Inc.
Classification: Uncertain significance for Athabascan severe combined immunodeficiency. Last evaluated: 2021-04-15. Review status: no assertion criteria provided. Collection method: clinical testing. Allele origin: germline. Not counted in ClinVar's aggregate classification.

NM_001033855.3(DCLRE1C):c.1388T>C (p.Val463Ala)

Gene: DCLRE1C (DNA cross-link repair 1C; minus strand). Cytogenetic location: 10p13.
Variant type: single nucleotide variant.
Coding change: c.1388T>C on transcript NM_001033855.3 (MANE Select); coding-DNA position 1388, T replaced by C.
Protein change: p.Val463Ala; replaces valine 463 with alanine.
Molecular consequence: missense variant. On other transcripts: non-coding transcript variant (4).
Genome position (GRCh38, 1-based): chr10:14,909,099, A>G on the plus strand (T>C on the coding strand, the complement: DCLRE1C is on the minus strand). VCF-style: chr10-14909099-A-G. GRCh37 (hg19) VCF-style: chr10-14951098-A-G.
Other names: c.1043T>C, p.Val348Ala (NM_001350966.2, NM_022487.4, NM_001289076.2 and 1 more transcripts); c.1028T>C, p.Val343Ala (NM_001350967.2, NM_001033857.3, NM_001033858.3 and 2 more transcripts); c.1388T>C, p.Val463Ala (NM_001350965.2); short protein forms V343A, V348A, V463A.
Identifiers: ClinVar variation 1004561 (VCV001004561.7), dbSNP rs1564366143, ClinGen allele CA376075694.
Genomic context (GRCh38, chr10:14,909,099, plus strand): 5'-TCAGCCTTTTGCAGGTGAAGTACAGAGCCCAGATCTCCTTGCAGTGAAGCTGGGATTCCT[A>G]CTTCTTCTTCACTTTCACTGTTGGATTCTTCACAATCTACAAAGTTTGTGAAACGAGAGC-3'
Protein context (NP_001029027.1, residues 453-473): EESNSESEEE[Val463Ala]GIPASLQGDL